The following is an entry in ClinVar:

ClinVar aggregate classification (germline): Uncertain significance (1 of 4 stars; one submission).

Conditions:
Peripheral neuropathy-myopathy-hoarseness-hearing loss syndrome. Identifiers: Orphanet 397744, MedGen C3280556, MONDO:0013711, OMIM 614369.

Submission:

Centre for Mendelian Genomics, University Medical Centre Ljubljana
Classification: Uncertain significance for Peripheral neuropathy-myopathy-hoarseness-hearing loss syndrome. Last evaluated: 2018-11-08. Review status: criteria provided, single submitter. Criteria: ACMG Guidelines, 2015. Collection method: clinical testing. Allele origin: unknown. Affected: yes.
Comment: This variant was classified as: Uncertain significance. The available evidence on this variant's pathogenicity is insufficient or conflicting. The following ACMG criteria were applied in classifying this variant: PM2.

NM_001145809.2(MYH14):c.6097G>C (p.Ala2033Pro)

Gene: MYH14 (myosin heavy chain 14; plus strand). Cytogenetic location: 19q13.33.
Variant type: single nucleotide variant.
Coding change: c.6097G>C on transcript NM_001145809.2 (MANE Select); coding-DNA position 6097, G replaced by C.
Protein change: p.Ala2033Pro; replaces alanine 2033 with proline.
Molecular consequence: missense variant.
Genome position (GRCh38, 1-based): chr19:50,309,776, G>C. VCF-style: chr19-50309776-G-C. GRCh37 (hg19) VCF-style: chr19-50813033-G-C.
Other names: c.5998G>C, p.Ala2000Pro (NM_001077186.2); c.5974G>C, p.Ala1992Pro (NM_024729.4); short protein forms A2033P, A1992P, A2000P.
Identifiers: ClinVar variation 930261 (VCV000930261.3), dbSNP rs2036794429, ClinGen allele CA406966456.
Genomic context (GRCh38, chr19:50,309,776, plus strand): 5'-GAGGCAGAGGAAGCACAGCCTGGGTCTGGGCCATCCCCGGAGCCTGAGGGGTCCCCACCA[G>C]CCCACCCCCAGTGACCCTACCCTGTCCCCAGATGCACTAACAGATGGGGCCCAGCCCCCT-3'
Protein context (NP_001139281.1, residues 2023-2036): PSPEPEGSPP[Ala2033Pro]HPQ